The following is an entry in ClinVar:

ClinVar aggregate classification (germline): Likely pathogenic (1 of 4 stars; one submission).

Conditions:
Deficiency of galactokinase. Also called: GALACTOSEMIA II; Galactokinase deficiency with cataracts. Identifiers: Orphanet 352, Orphanet 79237, MedGen C0268155, MONDO:0009255, OMIM 230200.

Allele frequency attached by ClinVar (database versions not stated): gnomAD exomes below 0.00001; ExAC 0.00001.
gnomAD v4.1: 1 of 1,611,716 alleles (0.000062%); highest among the groups gnomAD compares: South Asian, 0.0011%; no homozygotes.

Submission:

Labcorp Genetics (formerly Invitae), Labcorp
Classification: Likely pathogenic for Deficiency of galactokinase. Last evaluated: 2022-04-01. Review status: criteria provided, single submitter. Criteria: Invitae Variant Classification Sherloc (09022015). Collection method: clinical testing. Allele origin: germline.
Comment: In summary, the currently available evidence indicates that the variant is pathogenic, but additional data are needed to prove that conclusively. Therefore, this variant has been classified as Likely Pathogenic. Algorithms developed to predict the effect of sequence changes on RNA splicing suggest that this variant may disrupt the consensus splice site. This variant has not been reported in the literature in individuals affected with GALK1-related conditions. This variant is present in population databases (rs770871380, gnomAD 0.003%). This sequence change affects an acceptor splice site in intron 3 of the GALK1 gene. It is expected to disrupt RNA splicing. Variants that disrupt the donor or acceptor splice site typically lead to a loss of protein function (PMID: 16199547), and loss-of-function variants in GALK1 are known to be pathogenic (PMID: 7670469, 10790206).

Literature cited by the submitters: PubMed 16199547; PubMed 7670469; PubMed 10790206.

NM_000154.2(GALK1):c.476-2A>G

Gene: GALK1 (galactokinase 1; minus strand). Cytogenetic location: 17q25.1.
Variant type: single nucleotide variant.
Coding change: c.476-2A>G on transcript NM_000154.2 (MANE Select); the canonical splice acceptor site of the intron before coding-DNA position 476, A replaced by G.
Molecular consequence: splice acceptor variant.
Genome position (GRCh38, 1-based): chr17:75,763,151, T>C on the plus strand (A>G on the coding strand, the complement: GALK1 is on the minus strand). VCF-style: chr17-75763151-T-C. GRCh37 (hg19) VCF-style: chr17-73759232-T-C.
Other names: c.476-2A>G (NM_001381985.1).
Identifiers: ClinVar variation 2120469 (VCV002120469.4), dbSNP rs770871380, ClinGen allele CA8770928.